The following is an entry in ClinVar:

NM_004336.5(BUB1):c.127G>C (p.Glu43Gln)

Gene: BUB1 (BUB1 mitotic checkpoint serine/threonine kinase; minus strand). Cytogenetic location: 2q13.
Variant type: single nucleotide variant.
Coding change: c.127G>C on transcript NM_004336.5 (MANE Select); coding-DNA position 127, G replaced by C.
Protein change: p.Glu43Gln; replaces glutamic acid 43 with glutamine.
Molecular consequence: missense variant.
Genome position (GRCh38, 1-based): chr2:110,674,184, C>G on the plus strand (G>C on the coding strand, the complement: BUB1 is on the minus strand). VCF-style: chr2-110674184-C-G. GRCh37 (hg19) VCF-style: chr2-111431761-C-G.
Other names: c.67G>C, p.Glu23Gln (NM_001278616.2); c.127G>C, p.Glu43Gln (NM_001278617.2); short protein forms E43Q, E23Q.
Identifiers: ClinVar variation 1767652 (VCV001767652.2), dbSNP rs754507524, ClinGen allele CA1828448.

ClinVar aggregate classification (germline): Uncertain significance (1 of 4 stars; one submission).

Allele frequency attached by ClinVar (database versions not stated): gnomAD exomes below 0.00001; TOPMed below 0.00001; ExAC 0.00001.
gnomAD v4.1: 2 of 1,598,622 alleles (0.00013%); highest among the groups gnomAD compares: Non-Finnish European, 0.00017%; no homozygotes.

Submission:

Ambry Genetics
Classification: Uncertain significance. Last evaluated: 2022-09-26. Review status: criteria provided, single submitter. Criteria: Ambry Variant Classification Scheme 2023. Collection method: clinical testing. Allele origin: germline.
Comment: The p.E43Q variant (also known as c.127G>C), located in coding exon 3 of the BUB1 gene, results from a G to C substitution at nucleotide position 127. The glutamic acid at codon 43 is replaced by glutamine, an amino acid with highly similar properties. This amino acid position is conserved. In addition, this alteration is predicted to be tolerated by in silico analysis. Since supporting evidence is limited at this time, the clinical significance of this alteration remains unclear.